The following is an entry in ClinVar:

NM_001304438.2(TMEM132E):c.1044G>A (p.Arg348=)

Gene: TMEM132E (transmembrane protein 132E; plus strand). Cytogenetic location: 17q12.
Variant type: single nucleotide variant.
Coding change: c.1044G>A on transcript NM_001304438.2 (MANE Select); coding-DNA position 1044, G replaced by A.
Protein change: p.Arg348=; no amino-acid change (arginine 348 retained).
Molecular consequence: synonymous variant.
Genome position (GRCh38, 1-based): chr17:34,628,608, G>A. VCF-style: chr17-34628608-G-A. GRCh37 (hg19) VCF-style: chr17-32955627-G-A.
Identifiers: ClinVar variation 1659709 (VCV001659709.32), dbSNP rs780764613, ClinGen allele CA8496551.

ClinVar aggregate classification (germline): Likely benign. Review status: criteria provided, multiple submitters, no conflicts (2 of 4 stars). 2 submissions from 2 submitters: Likely benign (2). Last evaluated 2022-12-04.

Allele frequency attached by ClinVar (database versions not stated): gnomAD 0.00001; ExAC 0.00002; TOPMed 0.00002; gnomAD exomes 0.00003 and 0.00004.
gnomAD v4.1: 60 of 1,613,904 alleles (0.0037%); highest among the groups gnomAD compares: Non-Finnish European, 0.005%; no homozygotes.

Submissions (2):

Labcorp Genetics (formerly Invitae), Labcorp
Classification: Likely benign. Last evaluated: 2022-12-04. Review status: criteria provided, single submitter. Criteria: Invitae Variant Classification Sherloc (09022015). Collection method: clinical testing. Allele origin: germline.

CeGaT Center for Human Genetics Tuebingen
Classification: Likely benign. Last evaluated: 2022-05-01. Review status: criteria provided, single submitter. Criteria: CeGaT Center For Human Genetics Tuebingen Variant Classification Criteria Version 2. Collection method: clinical testing. Allele origin: germline. Affected: yes. Observed: 1 variant allele.
Comment: TMEM132E: BP4, BP7